The following is an entry in ClinVar:

ClinVar aggregate classification (germline): Pathogenic (1 of 4 stars; one submission).

Conditions:
Bloom syndrome (BLM). Also called: Bloom-Torre-Machacek syndrome. Identifiers: Orphanet 125, MedGen C0005859, MONDO:0008876, OMIM 210900.

Submission:

Labcorp Genetics (formerly Invitae), Labcorp
Classification: Pathogenic for Bloom syndrome. Last evaluated: 2023-10-03. Review status: criteria provided, single submitter. Criteria: Invitae Variant Classification Sherloc (09022015). Collection method: clinical testing. Allele origin: germline.
Comment: This sequence change creates a premature translational stop signal (p.Glu1287Glyfs*12) in the BLM gene. It is expected to result in an absent or disrupted protein product. Loss-of-function variants in BLM are known to be pathogenic (PMID: 17407155). This variant is not present in population databases (gnomAD no frequency). This variant has not been reported in the literature in individuals affected with BLM-related conditions. ClinVar contains an entry for this variant (Variation ID: 1071254). For these reasons, this variant has been classified as Pathogenic.

Literature cited by the submitters: PubMed 17407155.

NM_000057.4(BLM):c.3860_3863del (p.Glu1287fs)

Gene: BLM (BLM RecQ like helicase; plus strand). Cytogenetic location: 15q26.1.
Variant type: Deletion.
Coding change: c.3860_3863del on transcript NM_000057.4 (MANE Select); coding-DNA positions 3860 to 3863, 4 bases deleted (AATG; older notation c.3860_3863delAATG).
Protein change: p.Glu1287fs; shifts the reading frame from glutamic acid 1287.
Molecular consequence: frameshift variant.
Genome position (GRCh38, 1-based): chr15:90,809,245-90,809,248, AATG deleted; deleting any 4 consecutive bases within chr15:90,809,243-90,809,248 gives the same sequence; the c. name uses the placement nearest the transcript's 3' end. VCF-style (leftmost placement, unchanged base first): chr15-90809242-CTGAA-C. GRCh37 (hg19) VCF-style: chr15-91352472-CTGAA-C.
Other names: c.3860_3863del, p.Glu1287fs (NM_001287246.2); c.3467_3470del, p.Glu1156fs (NM_001287247.2); c.2735_2738del, p.Glu912fs (NM_001287248.2); short protein forms E1156fs, E1287fs, E912fs.
Identifiers: ClinVar variation 1071254 (VCV001071254.7), dbSNP rs2151198382, ClinGen allele CA2499223171.
Genomic context (GRCh38, chr15:90,809,242, plus strand): 5'-TTACTGAAGACAAACTGGAAAAATATGGTGCGGAAGTGATTTCAGTATTACAGAAATACT[CTGAA>C]TGGACATCGCCAGGTTAGTACACAGCCATGTGTGTTCTCTAAAAGCCTGTTTAATGTGAA-3'